The following is an entry in ClinVar:

ClinVar aggregate classification (germline): Uncertain significance (1 of 4 stars; one submission).

Conditions:
Senior-Loken syndrome 7 (SLSN7). Identifiers: Orphanet 3156, MedGen C3150877, MONDO:0013326, OMIM 613615.
Bardet-Biedl syndrome 16 (BBS16). Identifiers: Orphanet 110, MedGen C3889474, MONDO:0014444, OMIM 615993.

Submission:

Labcorp Genetics (formerly Invitae), Labcorp
Classification: Uncertain significance for Bardet-Biedl syndrome 16; Senior-Loken syndrome 7. Last evaluated: 2022-08-07. Review status: criteria provided, single submitter. Criteria: Invitae Variant Classification Sherloc (09022015). Collection method: clinical testing. Allele origin: germline.
Comment: In summary, the available evidence is currently insufficient to determine the role of this variant in disease. Therefore, it has been classified as a Variant of Uncertain Significance. Algorithms developed to predict the effect of missense changes on protein structure and function (SIFT, PolyPhen-2, Align-GVGD) all suggest that this variant is likely to be disruptive. This variant has not been reported in the literature in individuals affected with SDCCAG8-related conditions. This variant is not present in population databases (gnomAD no frequency). This sequence change replaces glutamic acid, which is acidic and polar, with aspartic acid, which is acidic and polar, at codon 142 of the SDCCAG8 protein (p.Glu142Asp).

NM_006642.5(SDCCAG8):c.426A>T (p.Glu142Asp)

Gene: SDCCAG8 (SHH signaling and ciliogenesis regulator SDCCAG8; plus strand). Cytogenetic location: 1q43.
Variant type: single nucleotide variant.
Coding change: c.426A>T on transcript NM_006642.5 (MANE Select); coding-DNA position 426, A replaced by T.
Protein change: p.Glu142Asp; replaces glutamic acid 142 with aspartic acid.
Molecular consequence: missense variant. On other transcripts: 5 prime UTR variant (3).
Genome position (GRCh38, 1-based): chr1:243,286,277, A>T. VCF-style: chr1-243286277-A-T. GRCh37 (hg19) VCF-style: chr1-243449579-A-T.
Other names: c.-687A>T (NM_001350246.2); c.-575A>T (NM_001350247.2); c.426A>T, p.Glu142Asp (NM_001350248.2); c.132A>T, p.Glu44Asp (NM_001350249.2); c.-948A>T (NM_001350251.2); short protein forms E142D, E44D.
Identifiers: ClinVar variation 1715506 (VCV001715506.5), dbSNP rs755711791, ClinGen allele CA345477150.